The following is an entry in ClinVar:

NM_001267550.2(TTN):c.55876A>C (p.Thr18626Pro)

Genes: TTN (titin; minus strand), TTN-AS1 (TTN antisense RNA 1; plus strand). Cytogenetic location: 2q31.2.
Variant type: single nucleotide variant.
Coding change: c.55876A>C on transcript NM_001267550.2 (MANE Select); coding-DNA position 55876, A replaced by C.
Protein change: p.Thr18626Pro; replaces threonine 18626 with proline.
Molecular consequence: missense variant.
Genome position (GRCh38, 1-based): chr2:178,601,028, T>G on the plus strand (A>C on the coding strand, the complement: TTN is on the minus strand). VCF-style: chr2-178601028-T-G. GRCh37 (hg19) VCF-style: chr2-179465755-T-G.
Other names: c.50953A>C, p.Thr16985Pro (NM_001256850.1); c.28681A>C, p.Thr9561Pro (NM_003319.4); c.48172A>C, p.Thr16058Pro (NM_133378.4); c.29056A>C, p.Thr9686Pro (NM_133432.3); c.29257A>C, p.Thr9753Pro (NM_133437.4); short protein forms T16058P, T16985P, T18626P, T9561P, T9686P, T9753P.
Identifiers: ClinVar variation 1209481 (VCV001209481.3), dbSNP rs762549682, ClinGen allele CA1993369.

ClinVar aggregate classification (germline): Uncertain significance (1 of 4 stars; one submission).

Allele frequency attached by ClinVar (database versions not stated): TOPMed below 0.00001; ExAC 0.00001; gnomAD 0.00001; gnomAD exomes 0.00001.
gnomAD v4.1: 2 of 1,612,942 alleles (0.00012%); highest among the groups gnomAD compares: Non-Finnish European, 0.00017%; no homozygotes.

Submission:

GeneDx
Classification: Uncertain significance. Last evaluated: 2019-11-13. Review status: criteria provided, single submitter. Criteria: GeneDx Variant Classification Process June 2021. Collection method: clinical testing. Allele origin: germline. Affected: yes.
Comment: Has not been previously published as pathogenic or benign to our knowledge; In silico analysis, which includes splice predictors and evolutionary conservation, supports that this variant does not alter protein structure/function; Missense variant in a gene in which most reported pathogenic variants are truncating/loss-of-function; Located in the A-band of the titin protein, where the majority of pathogenic truncating variants have been reported; Not observed at a significant frequency in large population cohorts (Lek et al., 2016)